The following is an entry in ClinVar:

ClinVar aggregate classification (germline): Likely pathogenic (1 of 4 stars; one submission).

Conditions:
Intellectual developmental disorder, autosomal dominant 1. Also called: Intellectual disability, autosomal dominant 1; MBD5 Haploinsufficiency. Identifiers: Orphanet 228402, MedGen C1969562, MONDO:0007974, OMIM 156200.

Submission:

Greenwood Genetic Center Diagnostic Laboratories, Greenwood Genetic Center
Classification: Likely pathogenic for Intellectual developmental disorder, autosomal dominant 1. Last evaluated: 2022-04-20. Review status: criteria provided, single submitter. Criteria: ACMG Guidelines, 2015. Collection method: clinical testing. Allele origin: germline. Affected: yes.
Comment: PVS1 PM2

NM_001378120.1(MBD5):c.1438C>T (p.Gln480Ter)

Gene: MBD5 (methyl-CpG binding domain protein 5; plus strand). Cytogenetic location: 2q23.1.
Variant type: single nucleotide variant.
Coding change: c.1438C>T on transcript NM_001378120.1 (MANE Select); coding-DNA position 1438, C replaced by T.
Protein change: p.Gln480Ter; replaces glutamine 480 with a stop codon.
Molecular consequence: nonsense.
Genome position (GRCh38, 1-based): chr2:148,469,381, C>T. VCF-style: chr2-148469381-C-T. GRCh37 (hg19) VCF-style: chr2-149226950-C-T.
Other names: c.1438C>T, p.Gln480Ter (NM_018328.5); short protein forms Q480*.
Identifiers: ClinVar variation 1703153 (VCV001703153.3), dbSNP rs2469865195, ClinGen allele CA348719689.